The following is an entry in ClinVar:

NM_002485.5(NBN):c.-39G>A

Gene: NBN (nibrin; minus strand). Cytogenetic location: 8q21.3.
Variant type: single nucleotide variant.
Coding change: c.-39G>A on transcript NM_002485.5 (MANE Select); 39 bases upstream of the start codon, G replaced by A.
Molecular consequence: 5 prime UTR variant.
Genome position (GRCh38, 1-based): chr8:89,984,600, C>T on the plus strand (G>A on the coding strand, the complement: NBN is on the minus strand). VCF-style: chr8-89984600-C-T. GRCh37 (hg19) VCF-style: chr8-90996828-C-T.
Other names: c.-335G>A (NM_001024688.3).
Identifiers: ClinVar variation 517767 (VCV000517767.1), dbSNP rs1248181473, ClinGen allele CA583377201.

ClinVar aggregate classification (germline): Likely benign (1 of 4 stars; one submission).

Allele frequency attached by ClinVar (database versions not stated): gnomAD exomes below 0.00001 and 0.00001.
gnomAD v4.1: 6 of 1,610,958 alleles (0.00037%); highest among the groups gnomAD compares: Non-Finnish European, 0.00051%; no homozygotes.

Submission:

GeneDx
Classification: Likely benign. Last evaluated: 2017-02-16. Review status: criteria provided, single submitter. Criteria: GeneDx Variant Classification (06012015). Collection method: clinical testing. Allele origin: germline. Affected: yes.
Comment: This variant is considered likely benign or benign based on one or more of the following criteria: it is a conservative change, it occurs at a poorly conserved position in the protein, it is predicted to be benign by multiple in silico algorithms, and/or has population frequency not consistent with disease.